The following is an entry in ClinVar:

NM_002470.4(MYH3):c.891G>C (p.Glu297Asp)

Gene: MYH3 (myosin heavy chain 3; minus strand). Cytogenetic location: 17p13.1.
Variant type: single nucleotide variant.
Coding change: c.891G>C on transcript NM_002470.4 (MANE Select); coding-DNA position 891, G replaced by C.
Protein change: p.Glu297Asp; replaces glutamic acid 297 with aspartic acid.
Molecular consequence: missense variant.
Genome position (GRCh38, 1-based): chr17:10,647,189, C>G on the plus strand (G>C on the coding strand, the complement: MYH3 is on the minus strand). VCF-style: chr17-10647189-C-G. GRCh37 (hg19) VCF-style: chr17-10550506-C-G.
Other names: short protein forms E297D.
Identifiers: ClinVar variation 1483053 (VCV001483053.6), dbSNP rs2074330016, ClinGen allele CA398177630.

ClinVar aggregate classification (germline): Uncertain significance (1 of 4 stars; one submission).

Allele frequency attached by ClinVar (database versions not stated): gnomAD exomes below 0.00001; TOPMed below 0.00001.
gnomAD v4.1: 4 of 1,613,850 alleles (0.00025%); highest among the groups gnomAD compares: Non-Finnish European, 0.00034%; no homozygotes.

Submission:

Labcorp Genetics (formerly Invitae), Labcorp
Classification: Uncertain significance. Last evaluated: 2025-08-27. Review status: criteria provided, single submitter. Criteria: Invitae Variant Classification Sherloc (09022015). Collection method: clinical testing. Allele origin: germline.
Comment: This sequence change replaces glutamic acid, which is acidic and polar, with aspartic acid, which is acidic and polar, at codon 297 of the MYH3 protein (p.Glu297Asp). This variant is not present in population databases (gnomAD no frequency). This variant has not been reported in the literature in individuals affected with MYH3-related conditions. ClinVar contains an entry for this variant (Variation ID: 1483053). Invitae Evidence Modeling of protein sequence and biophysical properties (such as structural, functional, and spatial information, amino acid conservation, physicochemical variation, residue mobility, and thermodynamic stability) indicates that this missense variant is not expected to disrupt MYH3 protein function with a negative predictive value of 95%. In summary, the available evidence is currently insufficient to determine the role of this variant in disease. Therefore, it has been classified as a Variant of Uncertain Significance.